The following is an entry in ClinVar:

NM_004006.3(DMD):c.4852C>T (p.Gln1618Ter)

Gene: DMD (dystrophin; minus strand). Cytogenetic location: Xp21.1.
Variant type: single nucleotide variant.
Coding change: c.4852C>T on transcript NM_004006.3 (MANE Select); coding-DNA position 4852, C replaced by T.
Protein change: p.Gln1618Ter; replaces glutamine 1618 with a stop codon.
Molecular consequence: nonsense.
Genome position (GRCh38, 1-based): chrX:32,365,193, G>A on the plus strand (C>T on the coding strand, the complement: DMD is on the minus strand). VCF-style: chrX-32365193-G-A. GRCh37 (hg19) VCF-style: chrX-32383310-G-A.
Other names: c.4828C>T, p.Gln1610Ter (NM_000109.4); c.4840C>T, p.Gln1614Ter (NM_004009.3); c.4483C>T, p.Gln1495Ter (NM_004010.3); c.829C>T, p.Gln277Ter (NM_004011.4); c.820C>T, p.Gln274Ter (NM_004012.4); short protein forms Q1495*, Q1610*, Q1614*, Q1618*, Q274*, Q277*.
Identifiers: ClinVar variation 1322710 (VCV001322710.6), dbSNP rs1085307535, ClinGen allele CA412672624.

ClinVar aggregate classification (germline): Pathogenic (1 of 4 stars; one submission).

Conditions:
Duchenne muscular dystrophy (DMD). Also called: MUSCULAR DYSTROPHY, PSEUDOHYPERTROPHIC PROGRESSIVE, DUCHENNE TYPE; Duchenne Muscular Dystrophy (DMD). Identifiers: Orphanet 98896, MedGen C0013264, MONDO:0010679, OMIM 310200.

Submission:

Labcorp Genetics (formerly Invitae), Labcorp
Classification: Pathogenic for Duchenne muscular dystrophy. Last evaluated: 2022-03-19. Review status: criteria provided, single submitter. Criteria: Invitae Variant Classification Sherloc (09022015). Collection method: clinical testing. Allele origin: germline.
Comment: For these reasons, this variant has been classified as Pathogenic. ClinVar contains an entry for this variant (Variation ID: 1322710). This premature translational stop signal has been observed in individual(s) with Duchenne muscular dystrophy (PMID: 12398835). This variant is not present in population databases (gnomAD no frequency). This sequence change creates a premature translational stop signal (p.Gln1618*) in the DMD gene. It is expected to result in an absent or disrupted protein product. Loss-of-function variants in DMD are known to be pathogenic (PMID: 16770791, 25007885).

Literature cited by the submitters: PubMed 12398835; PubMed 16770791; PubMed 25007885.